The following is an entry in ClinVar:

ClinVar aggregate classification (germline): Likely benign. Review status: criteria provided, multiple submitters, no conflicts (2 of 4 stars). 3 submissions from 3 submitters: Likely benign (3). Last evaluated 2025-03-31.

Allele frequency attached by ClinVar (database versions not stated): TOPMed 0.00003; ExAC 0.00005; gnomAD 0.00005 and 0.00007; gnomAD exomes 0.00007; 1000 Genomes Project 0.00040; 1000 Genomes Project 30x 0.00047.
gnomAD v4.1: 135 of 1,532,254 alleles (0.0088%); highest among the groups gnomAD compares: Middle Eastern, 0.12%; 1 homozygote.

Submissions (3):

Labcorp Genetics (formerly Invitae), Labcorp
Classification: Likely benign. Last evaluated: 2025-03-31. Review status: criteria provided, single submitter. Criteria: Invitae Variant Classification Sherloc (09022015). Collection method: clinical testing. Allele origin: germline.

Blueprint Genetics
Classification: Likely benign. Last evaluated: 2024-10-15. Review status: criteria provided, single submitter. Criteria: ACMG Guidelines, 2015. Collection method: clinical testing. Allele origin: germline.

Women's Health and Genetics/Laboratory Corporation of America, LabCorp
Classification: Likely benign. Last evaluated: 2023-12-05. Review status: criteria provided, single submitter. Criteria: LabCorp Variant Classification Summary - May 2015. Collection method: clinical testing. Allele origin: germline.
Comment: Variant summary: OPA1 c.1590-18G>T alters a non-conserved nucleotide located at a position not widely known to affect splicing. Consensus agreement among computation tools predict no significant impact on normal splicing. However, these predictions have yet to be confirmed by functional studies. The variant allele was found at a frequency of 7.1e-05 in 240466 control chromosomes. This frequency does not allow any conclusion about variant significance. To our knowledge, no occurrence of c.1590-18G>T in individuals affected with OPA1-Related Disorders and no experimental evidence demonstrating its impact on protein function have been reported. One submitter has cited clinical-significance assessments for this variant to ClinVar after 2014 and has classified the variant as likely benign. Based on the evidence outlined above, the variant was classified as likely benign.

NM_130837.3(OPA1):c.1755-18G>T

Genes: OPA1 (OPA1 mitochondrial dynamin like GTPase; plus strand), LOC126806913 (BRD4-independent group 4 enhancer GRCh37_chr3:193364377-193365576; plus strand). Cytogenetic location: 3q29.
Variant type: single nucleotide variant.
Coding change: c.1755-18G>T on transcript NM_130837.3 (MANE Select); 18 bases into the intron before coding-DNA position 1755, G replaced by T.
Molecular consequence: intron variant.
Genome position (GRCh38, 1-based): chr3:193,647,047, G>T. VCF-style: chr3-193647047-G-T. GRCh37 (hg19) VCF-style: chr3-193364836-G-T.
Other names: c.1218-18G>T (NM_001354664.2); c.1221-18G>T (NM_001354663.2); c.1644-18G>T (NM_130834.3); c.1701-18G>T (NM_130836.3); c.1590-18G>T (NM_015560.3); c.1647-18G>T (NM_130835.3); c.1536-18G>T (NM_130832.3); c.1593-18G>T (NM_130833.3); and 1 more.
Identifiers: ClinVar variation 1644515 (VCV001644515.10), dbSNP rs527537208, ClinGen allele CA2759484.
Genomic context (GRCh38, chr3:193,647,047, plus strand): 5'-TTCGCAGACTTGGTGGTAGTATTGTTGTCCTTTTTGTCATTTTAATATACTTTAGCTCTT[G>T]TTATTTTTTTTTAATAGGACAAGCATGCTAAAGGCACACCAAGTGACTACAAGAAATTTA-3'